The following is an entry in ClinVar:

ClinVar aggregate classification (germline): Likely benign (1 of 4 stars; one submission).

gnomAD v4.1: 3 of 398,508 alleles (0.00075%); highest among the groups gnomAD compares: Non-Finnish European, 0.0013%; no homozygotes.

Submission:

CeGaT Center for Human Genetics Tuebingen
Classification: Likely benign. Last evaluated: 2025-11-01. Review status: criteria provided, single submitter. Criteria: CeGaT Center For Human Genetics Tuebingen Variant Classification Criteria Version 2. Collection method: clinical testing. Allele origin: germline. Affected: yes. Observed: 1 variant allele.
Comment: PANO1: BP4, BP7

NC_000011.10:g.797751A>G

Genes: PANO1 (proapoptotic nucleolar protein 1; plus strand), SLC25A22 (solute carrier family 25 member 22; minus strand). Cytogenetic location: 11p15.5.
Variant type: single nucleotide variant.
Molecular consequence: intron variant (on NM_001191061.2). On other transcripts: 5 prime UTR variant (1).
Genome position: GRCh38 VCF-style: chr11-797751-A-G. GRCh37 (hg19) VCF-style: chr11-797751-A-G.
Other names: c.-303T>C (NM_001191060.2); c.-159+466T>C (NM_001425339.1); c.-164+466T>C (NM_001425341.1, NM_001425340.1, NM_001425343.1 and 5 more transcripts); c.-487+466T>C (NM_001425344.1); c.-489+466T>C (NM_001425338.1).
Identifiers: ClinVar variation 4533903 (VCV004533903.6).
Genomic context (GRCh38, chr11:797,751, plus strand): 5'-TGGGGCGGTGCTTTCTATCCTGCTGGCTGGAGGGTCCCGGAAGGGGACTCCAACTGCGCG[A>G]TGCCTCGGCCAGAGGACAAAGGAGAAGCGGGTTGGGGGCCGCTCTCTGCGCTCGGAGGCC-3'